The following is an entry in ClinVar:

NM_000169.3(GLA):c.999+1del

Genes: GLA (galactosidase alpha; minus strand), RPL36A-HNRNPH2 (RPL36A-HNRNPH2 readthrough; plus strand). Cytogenetic location: Xq22.1.
Variant type: Deletion.
Coding change: c.999+1del on transcript NM_000169.3 (MANE Select); the canonical splice donor site of the intron after coding-DNA position 999, one base deleted (G; older notation c.999+1delG).
Molecular consequence: splice donor variant. On other transcripts: nonsense (1), intron variant (2).
Genome position (GRCh38, 1-based): chrX:101,398,369, C deleted on the plus strand (G on the coding strand, the reverse complement: GLA is on the minus strand); the first of 2 consecutive C bases (chrX:101,398,369-101,398,370); deleting either gives the same sequence. VCF-style (leftmost placement, unchanged base first): chrX-101398368-AC-A. GRCh37 (hg19) VCF-style: chrX-100653356-AC-A.
Other names: c.1000del, p.Gln333_Val334insTer (NM_001406748.1); c.300+2913del (NM_001199973.2); c.177+6548del (NM_001199974.2); c.1122+1del (NM_001406747.1).
Identifiers: ClinVar variation 4087228 (VCV004087228.2).

ClinVar aggregate classification (germline): Pathogenic (1 of 4 stars; one submission).

Conditions:
Fabry disease. Also called: ALPHA-GALACTOSIDASE A DEFICIENCY; ANDERSON-FABRY DISEASE; CERAMIDE TRIHEXOSIDASE DEFICIENCY; GLA DEFICIENCY; HEREDITARY DYSTOPIC LIPIDOSIS; Angiokeratoma corporis diffusum. Identifiers: Orphanet 324, MedGen C0002986, MONDO:0010526, OMIM 301500, HP:0001071. Disease mechanism: Fabry disease is due to inactivating mutations in the X-linked GLA gene resulting in deficiency of the enzyme Alpha Galactosidase-A., loss of function.

Submission:

Genomenon, Inc
Classification: Pathogenic for Fabry disease. Last evaluated: 2026-09-08. Review status: criteria provided, single submitter. Criteria: Genomenon Sequence Variant Interpretation Standards - Updated. Collection method: curation. Allele origin: germline. Affected: yes.
Comment: GLA c.999+1del is a deletion that affects the donor splice site of intron 6. It is predicted to affect mRNA splicing, leading to a deleterious effect on the GLA protein. This variant has been observed in at least one proband with clinical features consistent with Fabry disease (PMID:36383556). It is absent or not present at a significant frequency in gnomAD. In conclusion, we classify GLA c.999+1del as a pathogenic variant.

Literature cited by the submitters: PubMed 36383556.